The following is an entry in ClinVar:

ClinVar aggregate classification (germline): Uncertain significance. Review status: criteria provided, multiple submitters, no conflicts (2 of 4 stars). 3 submissions from 3 submitters: Uncertain significance (3). Last evaluated 2022-06-29.

Conditions:
Epidermolysis bullosa simplex due to plakophilin deficiency. Also called: MCGRATH SYNDROME. Identifiers: Orphanet 158668, MedGen C1858302, MONDO:0011472, OMIM 604536.
Inborn genetic diseases. Identifiers: MedGen C0950123, MeSH D030342.

Allele frequency attached by ClinVar (database versions not stated): ESP Exome Variant Server 0.00008; TOPMed 0.00015; 1000 Genomes Project 0.00020; 1000 Genomes Project 30x 0.00031.
gnomAD v4.1: 225 of 1,597,264 alleles (0.014%); highest among the groups gnomAD compares: Admixed American, 0.056%; no homozygotes.

Submissions (3):

GeneDx
Classification: Uncertain significance. Last evaluated: 2022-06-29. Review status: criteria provided, single submitter. Criteria: GeneDx Variant Classification Process June 2021. Collection method: clinical testing. Allele origin: germline. Affected: yes.
Comment: In silico analysis supports that this missense variant does not alter protein structure/function; Has not been previously published as pathogenic or benign to our knowledge

Ambry Genetics
Classification: Uncertain significance for Inborn genetic diseases. Last evaluated: 2021-06-11. Review status: criteria provided, single submitter. Criteria: Ambry Variant Classification Scheme 2023. Collection method: clinical testing. Allele origin: germline.

Illumina Laboratory Services, Illumina
Classification: Uncertain significance for Epidermolysis bullosa simplex due to plakophilin deficiency. Last evaluated: 2018-01-13. Review status: criteria provided, single submitter. Criteria: ICSL Variant Classification Criteria 13 December 2019. Collection method: clinical testing. Allele origin: germline.

NM_001005337.3(PKP1):c.453G>T (p.Lys151Asn)

Gene: PKP1 (plakophilin 1; plus strand). Cytogenetic location: 1q32.1.
Variant type: single nucleotide variant.
Coding change: c.453G>T on transcript NM_001005337.3 (MANE Select); coding-DNA position 453, G replaced by T.
Protein change: p.Lys151Asn; replaces lysine 151 with asparagine.
Molecular consequence: missense variant.
Genome position (GRCh38, 1-based): chr1:201,313,312, G>T. VCF-style: chr1-201313312-G-T. GRCh37 (hg19) VCF-style: chr1-201282440-G-T.
Other names: c.453G>T, p.Lys151Asn (NM_000299.4); short protein forms K151N.
Identifiers: ClinVar variation 875910 (VCV000875910.7), dbSNP rs149029415, ClinGen allele CA1324083.